The following is an entry in ClinVar:

NM_000264.5(PTCH1):c.1714G>A (p.Ala572Thr)

Gene: PTCH1 (patched 1; minus strand). Cytogenetic location: 9q22.32.
Variant type: single nucleotide variant.
Coding change: c.1714G>A on transcript NM_000264.5 (MANE Select); coding-DNA position 1714, G replaced by A.
Protein change: p.Ala572Thr; replaces alanine 572 with threonine.
Molecular consequence: missense variant. On other transcripts: non-coding transcript variant (1).
Genome position (GRCh38, 1-based): chr9:95,476,048, C>T on the plus strand (G>A on the coding strand, the complement: PTCH1 is on the minus strand). VCF-style: chr9-95476048-C-T. GRCh37 (hg19) VCF-style: chr9-98238330-C-T.
Other names: c.1261G>A, p.Ala421Thr (NM_001083605.3, NM_001083606.3, NM_001083607.3 and 1 more transcripts); c.1558G>A, p.Ala520Thr (NM_001354918.2); c.1516G>A, p.Ala506Thr (NM_001083602.3); c.1711G>A, p.Ala571Thr (NM_001083603.3); short protein forms A520T, A506T, A572T, A571T, A421T.
Identifiers: ClinVar variation 2865335 (VCV002865335.4), dbSNP rs1588596119, ClinGen allele CA374117904.

ClinVar aggregate classification (germline): Uncertain significance. Review status: criteria provided, multiple submitters, no conflicts (2 of 4 stars). 2 submissions from 2 submitters: Uncertain significance (2). Last evaluated 2024-01-24.

Conditions:
Basal cell carcinoma, susceptibility to, 1. Also called: BCC1. Identifiers: MedGen C2751544, MONDO:0011556, OMIM 605462.
Gorlin syndrome. Also called: Basal cell nevus syndrome; Nevoid Basal Cell Carcinoma Syndrome. Identifiers: Orphanet 377, MedGen C0004779, MONDO:0007187.

Allele frequency attached by ClinVar (database versions not stated): gnomAD exomes below 0.00001.
gnomAD v4.1: 1 of 1,613,946 alleles (0.000062%); highest among the groups gnomAD compares: Non-Finnish European, 0.000085%; no homozygotes.

Submissions (2):

Baylor Genetics
Classification: Uncertain significance for Basal cell carcinoma, susceptibility to, 1. Last evaluated: 2024-01-24. Review status: criteria provided, single submitter. Criteria: ACMG Guidelines, 2015. Collection method: clinical testing. Allele origin: unknown.

Labcorp Genetics (formerly Invitae), Labcorp
Classification: Uncertain significance for Gorlin syndrome. Last evaluated: 2023-05-18. Review status: criteria provided, single submitter. Criteria: Invitae Variant Classification Sherloc (09022015). Collection method: clinical testing. Allele origin: germline.
Comment: This variant has not been reported in the literature in individuals affected with PTCH1-related conditions. This variant is not present in population databases (gnomAD no frequency). This sequence change replaces alanine, which is neutral and non-polar, with threonine, which is neutral and polar, at codon 572 of the PTCH1 protein (p.Ala572Thr). Advanced modeling of protein sequence and biophysical properties (such as structural, functional, and spatial information, amino acid conservation, physicochemical variation, residue mobility, and thermodynamic stability) performed at Invitae indicates that this missense variant is not expected to disrupt PTCH1 protein function. In summary, the available evidence is currently insufficient to determine the role of this variant in disease. Therefore, it has been classified as a Variant of Uncertain Significance.